The following is an entry in ClinVar:

ClinVar aggregate classification (germline): Uncertain significance (1 of 4 stars; one submission).

Allele frequency attached by ClinVar (database versions not stated): ExAC 0.00004; gnomAD 0.00017; TOPMed 0.00022.
gnomAD v4.1: 47 of 1,612,272 alleles (0.0029%); highest among the groups gnomAD compares: Admixed American, 0.053%; no homozygotes.

Submission:

Labcorp Genetics (formerly Invitae), Labcorp
Classification: Uncertain significance. Last evaluated: 2022-07-15. Review status: criteria provided, single submitter. Criteria: Invitae Variant Classification Sherloc (09022015). Collection method: clinical testing. Allele origin: germline.
Comment: This sequence change replaces arginine, which is basic and polar, with cysteine, which is neutral and slightly polar, at codon 265 of the COQ8A protein (p.Arg265Cys). This variant is present in population databases (rs774133762, gnomAD 0.02%). This variant has not been reported in the literature in individuals affected with COQ8A-related conditions. Algorithms developed to predict the effect of missense changes on protein structure and function are either unavailable or do not agree on the potential impact of this missense change (SIFT: "Deleterious"; PolyPhen-2: "Benign"; Align-GVGD: "Class C15"). In summary, the available evidence is currently insufficient to determine the role of this variant in disease. Therefore, it has been classified as a Variant of Uncertain Significance.

NM_020247.5(COQ8A):c.793C>T (p.Arg265Cys)

Gene: COQ8A (coenzyme Q8A; plus strand). Cytogenetic location: 1q42.13.
Variant type: single nucleotide variant.
Coding change: c.793C>T on transcript NM_020247.5 (MANE Select); coding-DNA position 793, C replaced by T.
Protein change: p.Arg265Cys; replaces arginine 265 with cysteine.
Molecular consequence: missense variant.
Genome position (GRCh38, 1-based): chr1:226,982,089, C>T. VCF-style: chr1-226982089-C-T. GRCh37 (hg19) VCF-style: chr1-227169790-C-T.
Other names: short protein forms R265C.
Identifiers: ClinVar variation 2418388 (VCV002418388.3), dbSNP rs774133762, ClinGen allele CA1425158.